The following is an entry in ClinVar:

NM_015072.5(TTLL5):c.1738A>T (p.Lys580Ter)

Gene: TTLL5 (tubulin tyrosine ligase like 5; plus strand). Cytogenetic location: 14q24.3.
Variant type: single nucleotide variant.
Coding change: c.1738A>T on transcript NM_015072.5 (MANE Select); coding-DNA position 1738, A replaced by T.
Protein change: p.Lys580Ter; replaces lysine 580 with a stop codon.
Molecular consequence: nonsense.
Genome position (GRCh38, 1-based): chr14:75,766,091, A>T. VCF-style: chr14-75766091-A-T. GRCh37 (hg19) VCF-style: chr14-76232434-A-T.
Other names: short protein forms K580*.
Identifiers: ClinVar variation 1949090 (VCV001949090.5), dbSNP rs1034395084, ClinGen allele CA263694998.
Genomic context (GRCh38, chr14:75,766,091, plus strand): 5'-TTCAGCAACATTAGTGATTCTTCGTATTTAGTGATTACCCAACCAGCTGAAATGAATGTT[A>T]AAACTGAGACAGAGAGTGAAGAGGAGGAAGAAGTCGCATTAGATAATGAAGATGAAGAAC-3'

ClinVar aggregate classification (germline): Pathogenic (1 of 4 stars; one submission).

Allele frequency attached by ClinVar (database versions not stated): gnomAD 0.00001; TOPMed 0.00001.
gnomAD v4.1: 1 of 1,613,016 alleles (0.000062%); highest among the groups gnomAD compares: African/African-American, 0.0013%; no homozygotes.

Submission:

Labcorp Genetics (formerly Invitae), Labcorp
Classification: Pathogenic. Last evaluated: 2022-11-01. Review status: criteria provided, single submitter. Criteria: Invitae Variant Classification Sherloc (09022015). Collection method: clinical testing. Allele origin: germline.
Comment: This variant has not been reported in the literature in individuals affected with TTLL5-related conditions. This sequence change creates a premature translational stop signal (p.Lys580*) in the TTLL5 gene. It is expected to result in an absent or disrupted protein product. Loss-of-function variants in TTLL5 are known to be pathogenic (PMID: 24791901, 27162334). This variant is not present in population databases (gnomAD no frequency). Algorithms developed to predict the effect of sequence changes on RNA splicing suggest that this variant may create or strengthen a splice site. For these reasons, this variant has been classified as Pathogenic.

Literature cited by the submitters: PubMed 24791901; PubMed 27162334.